The following is an entry in ClinVar:

NM_017763.6(RNF43):c.380G>A (p.Arg127Gln)

Gene: RNF43 (ring finger protein 43; minus strand). Cytogenetic location: 17q22.
Variant type: single nucleotide variant.
Coding change: c.380G>A on transcript NM_017763.6 (MANE Select); coding-DNA position 380, G replaced by A.
Protein change: p.Arg127Gln; replaces arginine 127 with glutamine.
Molecular consequence: missense variant.
Genome position (GRCh38, 1-based): chr17:58,363,596, C>T on the plus strand (G>A on the coding strand, the complement: RNF43 is on the minus strand). VCF-style: chr17-58363596-C-T. GRCh37 (hg19) VCF-style: chr17-56440957-C-T.
Other names: c.-2G>A (NM_001305545.2); c.380G>A, p.Arg127Gln (NM_001305544.3); c.380G>A (NM_017763.4); short protein forms R127Q.
Identifiers: ClinVar variation 1170669 (VCV001170669.32), dbSNP rs35219874, ClinGen allele CA8673441.

ClinVar aggregate classification (germline): Conflicting classifications of pathogenicity. Review status: criteria provided, conflicting classifications (1 of 4 stars). 8 submissions from 8 submitters: Uncertain significance (1); Benign (5); Likely benign (1). 1 of the submissions does not count toward it. Last evaluated 2026-01-21.

Conditions:
Hyperplastic polyposis syndrome. Identifiers: Orphanet 157798, MedGen C4296896, MONDO:0015524.
Hereditary cancer-predisposing syndrome. Also called: Hereditary neoplastic syndrome; Hereditary Cancer Syndrome; Neoplastic Syndromes, Hereditary; Tumor predisposition. Identifiers: Orphanet 140162, MedGen C0027672, MeSH D009386, MONDO:0015356.
RNF43-related disorder. Also called: RNF43-related condition.

Allele frequency attached by ClinVar (database versions not stated): gnomAD exomes 0.00069; ExAC 0.00074; 1000 Genomes Project 0.00200; gnomAD 0.00206 and 0.00220; 1000 Genomes Project 30x 0.00219; TOPMed 0.00221; ESP Exome Variant Server 0.00254.
gnomAD v4.1: 735 of 1,610,770 alleles (0.046%); highest among the groups gnomAD compares: African/African-American, 0.77%; 2 homozygotes.

Submissions (8):

Labcorp Genetics (formerly Invitae), Labcorp
Classification: Benign. Last evaluated: 2026-01-21. Review status: criteria provided, single submitter. Criteria: Invitae Variant Classification Sherloc (09022015). Collection method: clinical testing. Allele origin: germline.

Center for Genomic Medicine, Rigshospitalet, Copenhagen University Hospital
Classification: Uncertain significance. Last evaluated: 2025-12-29. Review status: criteria provided, single submitter. Criteria: ACMG Guidelines, 2015. Collection method: clinical testing. Allele origin: germline.

CeGaT Center for Human Genetics Tuebingen
Classification: Benign. Last evaluated: 2025-11-01. Review status: criteria provided, single submitter. Criteria: CeGaT Center For Human Genetics Tuebingen Variant Classification Criteria Version 2. Collection method: clinical testing. Allele origin: germline. Affected: yes. Observed: 2 variant alleles.
Comment: RNF43: BS1, BS2

Blueprint Genetics
Classification: Likely benign. Last evaluated: 2024-11-25. Review status: criteria provided, single submitter. Criteria: ACMG Guidelines, 2015. Collection method: clinical testing. Allele origin: germline.

Ambry Genetics
Classification: Benign. Last evaluated: 2024-10-28. Review status: criteria provided, single submitter. Criteria: Ambry Variant Classification Scheme 2023. Collection method: clinical testing. Allele origin: germline.

Molecular Diagnostics Laboratory, Catalan Institute of Oncology
Classification: Benign for Hereditary cancer-predisposing syndrome. Last evaluated: 2024-09-09. Review status: criteria provided, single submitter. Criteria: ACMG Guidelines, 2015. Collection method: clinical testing. Allele origin: germline.
Comment: BS1, BP4_moderate c.380G>A, located in exon 4 of the RNF43 gene, is predicted to result in the substitution of arginine by glutamine at codon 127, p.(Arg127Gln).The variant allele was found in 191/23564 alleles, with a filtered allele frequency of 0.68% at 99% confidence, within the African population in the gnomAD v2.1.1 database (non-cancer data set) (BS1). The SpliceAI algorithm predicts no significant impact on splicing. The REVEL meta-predictor score for this variant (0.176) suggests that it does not affect the protein function according to Pejaver 2022 thresholds (PMID: 36413997) (BP4_moderate). To our knowledge, neither relevant clinical data nor well-established functional studies have been reported for this variant. This variant has been reported in the ClinVar database (1x uncertain significance, 2x benign) and in the LOVD database (1x benign) Based on currently available information, the variant c.380G>A should be considered a likely benign variant.

Department of Pathology and Laboratory Medicine, Sinai Health System
Classification: Benign for Hyperplastic polyposis syndrome. Last evaluated: 2022-06-20. Review status: criteria provided, single submitter. Criteria: ACMG Guidelines, 2015. Collection method: clinical testing. Allele origin: germline. Affected: yes.

PreventionGenetics, part of Exact Sciences
Classification: Benign for RNF43-related condition. Last evaluated: 2020-01-24. Review status: no assertion criteria provided. Collection method: clinical testing. Allele origin: germline. Not counted in ClinVar's aggregate classification.
Comment: This variant is classified as benign based on ACMG/AMP sequence variant interpretation guidelines (Richards et al. 2015 PMID: 25741868, with internal and published modifications).